The following is an entry in ClinVar:

ClinVar aggregate classification (germline): Uncertain significance (1 of 4 stars; one submission).

Conditions:
Congenital myasthenic syndrome 8. Also called: Myasthenic syndrome, congenital, 8, with pre- and postsynaptic defects; MYASTHENIC SYNDROME, CONGENITAL, DUE TO AGRIN DEFICIENCY. Identifiers: Orphanet 590, MedGen C3808739, MONDO:0014052, OMIM 615120.

Allele frequency attached by ClinVar (database versions not stated): TOPMed 0.00002; gnomAD exomes 0.00001; gnomAD 0.00001.
gnomAD v4.1: 10 of 1,612,978 alleles (0.00062%); highest among the groups gnomAD compares: East Asian, 0.0022%; no homozygotes.

Submission:

Labcorp Genetics (formerly Invitae), Labcorp
Classification: Uncertain significance for Congenital myasthenic syndrome 8. Last evaluated: 2022-07-26. Review status: criteria provided, single submitter. Criteria: Invitae Variant Classification Sherloc (09022015). Collection method: clinical testing. Allele origin: germline.
Comment: This variant is present in population databases (rs763762094, gnomAD 0.006%). This sequence change replaces arginine, which is basic and polar, with cysteine, which is neutral and slightly polar, at codon 1201 of the AGRN protein (p.Arg1201Cys). This variant has not been reported in the literature in individuals affected with AGRN-related conditions. In summary, the available evidence is currently insufficient to determine the role of this variant in disease. Therefore, it has been classified as a Variant of Uncertain Significance. Algorithms developed to predict the effect of missense changes on protein structure and function are either unavailable or do not agree on the potential impact of this missense change (SIFT: "Deleterious"; PolyPhen-2: "Probably Damaging"; Align-GVGD: "Class C0"). ClinVar contains an entry for this variant (Variation ID: 948902).

NM_198576.4(AGRN):c.3601C>T (p.Arg1201Cys)

Gene: AGRN (agrin; plus strand). Cytogenetic location: 1p36.33.
Variant type: single nucleotide variant.
Coding change: c.3601C>T on transcript NM_198576.4 (MANE Select); coding-DNA position 3601, C replaced by T.
Protein change: p.Arg1201Cys; replaces arginine 1201 with cysteine.
Molecular consequence: missense variant.
Genome position (GRCh38, 1-based): chr1:1,047,657, C>T. VCF-style: chr1-1047657-C-T. GRCh37 (hg19) VCF-style: chr1-983037-C-T.
Other names: c.3601C>T, p.Arg1201Cys (NM_001305275.2); c.3286C>T, p.Arg1096Cys (NM_001364727.2); short protein forms R1096C, R1201C.
Identifiers: ClinVar variation 948902 (VCV000948902.8), dbSNP rs763762094, ClinGen allele CA16759732.